The following is an entry in ClinVar:

ClinVar aggregate classification (germline): Benign. Review status: criteria provided, multiple submitters, no conflicts (2 of 4 stars). 3 submissions from 3 submitters: Benign (2). 1 of the submissions does not count toward it. Last evaluated 2019-12-31.

Conditions:
PTPRS-related disorder. Also called: PTPRS-related condition.

Allele frequency attached by ClinVar (database versions not stated): gnomAD exomes 0.00346; ExAC 0.00428; gnomAD 0.00976 and 0.01027; TOPMed 0.01088; ESP Exome Variant Server 0.01123; 1000 Genomes Project 0.01358; 1000 Genomes Project 30x 0.01405.
gnomAD v4.1: 3,862 of 1,614,024 alleles (0.24%); highest among the groups gnomAD compares: African/African-American, 3.4%; 65 homozygotes.

Submissions (3):

Labcorp Genetics (formerly Invitae), Labcorp
Classification: Benign. Last evaluated: 2019-12-31. Review status: criteria provided, single submitter. Criteria: Invitae Variant Classification Sherloc (09022015). Collection method: clinical testing. Allele origin: germline.

Breakthrough Genomics
Classification: Benign. Review status: criteria provided, single submitter. Criteria: ACMG Guidelines, 2015. Collection method: not provided. Allele origin: germline. Inheritance: Unknown mechanism. Affected: yes.

PreventionGenetics, part of Exact Sciences
Classification: Benign for PTPRS-related condition. Last evaluated: 2019-02-18. Review status: no assertion criteria provided. Collection method: clinical testing. Allele origin: germline. Not counted in ClinVar's aggregate classification.
Comment: This variant is classified as benign based on ACMG/AMP sequence variant interpretation guidelines (Richards et al. 2015 PMID: 25741868, with internal and published modifications).

NM_002850.4(PTPRS):c.3342C>T (p.Thr1114=)

Gene: PTPRS (protein tyrosine phosphatase receptor type S; minus strand). Cytogenetic location: 19p13.3.
Variant type: single nucleotide variant.
Coding change: c.3342C>T on transcript NM_002850.4 (MANE Select); coding-DNA position 3342, C replaced by T.
Protein change: p.Thr1114=; no amino-acid change (threonine 1114 retained).
Molecular consequence: synonymous variant.
Genome position (GRCh38, 1-based): chr19:5,221,113, G>A on the plus strand (C>T on the coding strand, the complement: PTPRS is on the minus strand). VCF-style: chr19-5221113-G-A. GRCh37 (hg19) VCF-style: chr19-5221124-G-A.
Other names: c.2049C>T, p.Thr683= (NM_130853.3); c.3276C>T, p.Thr1092= (NM_130854.3); c.2061C>T, p.Thr687= (NM_130855.3).
Identifiers: ClinVar variation 777490 (VCV000777490.7), dbSNP rs73919783, ClinGen allele CA9109606.